The following is an entry in ClinVar:

ClinVar aggregate classification (germline): Uncertain significance (1 of 4 stars; one submission).

gnomAD v4.1: 3 of 1,613,952 alleles (0.00019%); highest among the groups gnomAD compares: Non-Finnish European, 0.00025%; no homozygotes.

Submission:

Ambry Genetics
Classification: Uncertain significance. Last evaluated: 2025-11-15. Review status: criteria provided, single submitter. Criteria: Ambry Variant Classification Scheme 2023. Collection method: clinical testing. Allele origin: germline.
Comment: The p.G667V variant (also known as c.2000G>T), located in coding exon 1 of the MLH3 gene, results from a G to T substitution at nucleotide position 2000. The glycine at codon 667 is replaced by valine, an amino acid with dissimilar properties. This amino acid position is conserved. In addition, this alteration is predicted to be tolerated by in silico analysis. Since supporting evidence is limited at this time, the clinical significance of this alteration remains unclear.

NM_001040108.2(MLH3):c.2000G>T (p.Gly667Val)

Gene: MLH3 (mutL homolog 3; minus strand). Cytogenetic location: 14q24.3.
Variant type: single nucleotide variant.
Coding change: c.2000G>T on transcript NM_001040108.2 (MANE Select); coding-DNA position 2000, G replaced by T.
Protein change: p.Gly667Val; replaces glycine 667 with valine.
Molecular consequence: missense variant.
Genome position (GRCh38, 1-based): chr14:75,047,656, C>A on the plus strand (G>T on the coding strand, the complement: MLH3 is on the minus strand). VCF-style: chr14-75047656-C-A. GRCh37 (hg19) VCF-style: chr14-75514359-C-A.
Other names: c.2000G>T, p.Gly667Val (NM_014381.3); short protein forms G667V.
Identifiers: ClinVar variation 1784235 (VCV001784235.3), dbSNP rs200093225, ClinGen allele CA390443443.